The following is an entry in ClinVar:

NM_000183.3(HADHB):c.1110G>C (p.Met370Ile)

Gene: HADHB (hydroxyacyl-CoA dehydrogenase trifunctional multienzyme complex subunit beta; plus strand). Cytogenetic location: 2p23.3.
Variant type: single nucleotide variant.
Coding change: c.1110G>C on transcript NM_000183.3 (MANE Select); coding-DNA position 1110, G replaced by C.
Protein change: p.Met370Ile; replaces methionine 370 with isoleucine.
Molecular consequence: missense variant.
Genome position (GRCh38, 1-based): chr2:26,284,165, G>C. VCF-style: chr2-26284165-G-C. GRCh37 (hg19) VCF-style: chr2-26507033-G-C.
Other names: c.1065G>C, p.Met355Ile (NM_001281512.2); c.1044G>C, p.Met348Ile (NM_001281513.2); short protein forms M348I, M355I, M370I.
Identifiers: ClinVar variation 1714252 (VCV001714252.6), dbSNP rs2465734638, ClinGen allele CA346095833.

ClinVar aggregate classification (germline): Uncertain significance (1 of 4 stars; one submission).

Conditions:
Mitochondrial trifunctional protein deficiency. Identifiers: Orphanet 746, MedGen C1969443, MONDO:0012172.

Submission:

Labcorp Genetics (formerly Invitae), Labcorp
Classification: Uncertain significance for Mitochondrial trifunctional protein deficiency. Last evaluated: 2022-07-29. Review status: criteria provided, single submitter. Criteria: Invitae Variant Classification Sherloc (09022015). Collection method: clinical testing. Allele origin: germline.
Comment: Algorithms developed to predict the effect of missense changes on protein structure and function (SIFT, PolyPhen-2, Align-GVGD) all suggest that this variant is likely to be tolerated. This sequence change replaces methionine, which is neutral and non-polar, with isoleucine, which is neutral and non-polar, at codon 370 of the HADHB protein (p.Met370Ile). This variant is not present in population databases (gnomAD no frequency). This variant has not been reported in the literature in individuals affected with HADHB-related conditions. In summary, the available evidence is currently insufficient to determine the role of this variant in disease. Therefore, it has been classified as a Variant of Uncertain Significance.